The following is an entry in ClinVar:

NM_006393.3(NEBL):c.799-338T>G

Gene: NEBL (nebulette; minus strand). Cytogenetic location: 10p12.31.
Variant type: single nucleotide variant.
Coding change: c.799-338T>G on transcript NM_006393.3 (MANE Select); 338 bases into the intron before coding-DNA position 799, T replaced by G.
Molecular consequence: intron variant.
Genome position (GRCh38, 1-based): chr10:20,858,682, A>C on the plus strand (T>G on the coding strand, the complement: NEBL is on the minus strand). VCF-style: chr10-20858682-A-C. GRCh37 (hg19) VCF-style: chr10-21147611-A-C.
Other names: c.250-45742T>G (NM_001377326.1, NM_001377327.1, NM_001377328.1); c.358-45742T>G (NM_213569.2, NM_001173484.2, NM_001377322.1); c.301-45742T>G (NM_001377324.1); c.292-45742T>G (NM_001377325.1); c.310-45742T>G (NM_001377323.1).
Identifiers: ClinVar variation 669638 (VCV000669638.1), dbSNP rs45513591, ClinGen allele CA204193308.

ClinVar aggregate classification (germline): Benign (1 of 4 stars; one submission).

Allele frequency attached by ClinVar (database versions not stated): gnomAD 0.05774 and 0.05697; TOPMed 0.05811; 1000 Genomes Project 0.03774; 1000 Genomes Project 30x 0.03826.
gnomAD v4.1: 8,835 of 152,302 alleles (5.8%); highest among the groups gnomAD compares: Middle Eastern, 12%; 360 homozygotes.

Submission:

GeneDx
Classification: Benign. Last evaluated: 2018-06-14. Review status: criteria provided, single submitter. Criteria: GeneDx Variant Classification (06012015). Collection method: clinical testing. Allele origin: germline. Affected: yes.
Comment: This variant is considered likely benign or benign based on one or more of the following criteria: it is a conservative change, it occurs at a poorly conserved position in the protein, it is predicted to be benign by multiple in silico algorithms, and/or has population frequency not consistent with disease.